The following is an entry in ClinVar:

NM_001378969.1(KCND3):c.641A>G (p.Lys214Arg)

Gene: KCND3 (potassium voltage-gated channel subfamily D member 3; minus strand). Cytogenetic location: 1p13.2.
Variant type: single nucleotide variant.
Coding change: c.641A>G on transcript NM_001378969.1 (MANE Select); coding-DNA position 641, A replaced by G.
Protein change: p.Lys214Arg; replaces lysine 214 with arginine.
Molecular consequence: missense variant.
Genome position (GRCh38, 1-based): chr1:111,982,086, T>C on the plus strand (A>G on the coding strand, the complement: KCND3 is on the minus strand). VCF-style: chr1-111982086-T-C. GRCh37 (hg19) VCF-style: chr1-112524708-T-C.
Other names: c.641A>G, p.Lys214Arg (NM_001378970.1, NM_004980.5, NM_172198.3); short protein forms K214R.
Identifiers: ClinVar variation 222665 (VCV000222665.31), dbSNP rs142744204, ClinGen allele CA354891.

ClinVar aggregate classification (germline): Conflicting classifications of pathogenicity. Review status: criteria provided, conflicting classifications (1 of 4 stars). 11 submissions from 11 submitters: Uncertain significance (2); Benign (1); Likely benign (5). 3 of the submissions do not count toward it. Last evaluated 2025-12-14.

Conditions:
Cardiovascular phenotype. Identifiers: MedGen CN230736.
Spinocerebellar ataxia type 19/22 (SCA19). Also called: SPINOCEREBELLAR ATAXIA 22; SPINOCEREBELLAR ATAXIA 19. Identifiers: Orphanet 98772, MedGen C1846367, MONDO:0011819, OMIM 607346.
KCND3-related disorder. Also called: KCND3-related condition.

Allele frequency attached by ClinVar (database versions not stated): 1000 Genomes Project 0.00020; gnomAD exomes 0.00020 and 0.00030; ExAC 0.00024; gnomAD 0.00024 and 0.00034; 1000 Genomes Project 30x 0.00031; ESP Exome Variant Server 0.00031; TOPMed 0.00036.
gnomAD v4.1: 481 of 1,613,754 alleles (0.03%); highest among the groups gnomAD compares: Middle Eastern, 0.18%; 2 homozygotes.

Submissions (11):

Labcorp Genetics (formerly Invitae), Labcorp
Classification: Likely benign for Spinocerebellar ataxia type 19/22. Last evaluated: 2025-12-14. Review status: criteria provided, single submitter. Criteria: Invitae Variant Classification Sherloc (09022015). Collection method: clinical testing. Allele origin: germline.

Women's Health and Genetics/Laboratory Corporation of America, LabCorp
Classification: Likely benign. Last evaluated: 2025-10-06. Review status: criteria provided, single submitter. Criteria: LabCorp Variant Classification Summary - May 2015. Collection method: clinical testing. Allele origin: germline.
Comment: Variant summary: KCND3 c.641A>G (p.Lys214Arg) results in a conservative amino acid change in the encoded protein sequence. Algorithms developed to predict the effect of missense changes on protein structure and function are either unavailable or do not agree on the potential impact of this missense change. The variant allele was found at a frequency of 0.0002 in 249806 control chromosomes (gnomAD). c.641A>G has been observed in an individual affected with Spastic ataxia as well as their unaffected mother (Coutelier_2018). This report does not provide unequivocal conclusions about association of the variant with Spinocerebellar Ataxia Type 19/22. To our knowledge, no experimental evidence demonstrating an impact on protein function has been reported. The following publication has been ascertained in the context of this evaluation (PMID: 29482223). ClinVar contains an entry for this variant (Variation ID: 222665). Based on the evidence outlined above, the variant was classified as likely benign.

CeGaT Center for Human Genetics Tuebingen
Classification: Uncertain significance. Last evaluated: 2025-05-01. Review status: criteria provided, single submitter. Criteria: CeGaT Center For Human Genetics Tuebingen Variant Classification Criteria Version 2. Collection method: clinical testing. Allele origin: germline. Affected: yes. Observed: 1 variant allele.

Blueprint Genetics
Classification: Likely benign. Last evaluated: 2024-11-08. Review status: criteria provided, single submitter. Criteria: ACMG Guidelines, 2015. Collection method: clinical testing. Allele origin: germline.

Athena Diagnostics
Classification: Benign. Last evaluated: 2024-01-09. Review status: criteria provided, single submitter. Criteria: Athena Diagnostics Criteria. Collection method: clinical testing. Allele origin: unknown.

Ambry Genetics
Classification: Likely benign for Cardiovascular phenotype. Last evaluated: 2023-12-07. Review status: criteria provided, single submitter. Criteria: Ambry Variant Classification Scheme 2023. Collection method: clinical testing. Allele origin: germline.

GeneDx
Classification: Likely benign. Last evaluated: 2021-06-17. Review status: criteria provided, single submitter. Criteria: GeneDx Variant Classification Process June 2021. Collection method: clinical testing. Allele origin: germline. Affected: yes.
Comment: Reported in a patient with features of cerebellar ataxia referred for whole exome sequencing; however, this variant was inherited from an unaffected mother (Coutelier et al., 2018); Reported in one ostensibly healthy control individual and in association with atrial fibrillation (Giudicessi et al., 2011; Mann et al., 2012); Published functional studies demonstrate no damaging effect (Mann et al., 2012); This variant is associated with the following publications: (PMID: 26220970, 23838598, 25175087, 25410959, 29482223, 22402074, 21349352)

Institute of Human Genetics, University Hospital of Duesseldorf
Classification: Uncertain significance for Spinocerebellar ataxia type 19/22. Review status: criteria provided, single submitter. Criteria: ACMG Guidelines, 2015. Collection method: clinical testing. Allele origin: germline. Affected: yes.

PreventionGenetics, part of Exact Sciences
Classification: Uncertain significance for KCND3-related condition. Last evaluated: 2024-04-03. Review status: no assertion criteria provided. Collection method: clinical testing. Allele origin: germline. Not counted in ClinVar's aggregate classification.
Comment: The KCND3 c.641A>G variant is predicted to result in the amino acid substitution p.Lys214Arg. This variant has been reported in individuals with episodic gait disorder, Brugada syndrome, or atrial fibrillation (Coutelier et al 2018. PubMed ID: 29482223; Di Resta C et al 2015. PubMed ID: 26220970; Mann SA et al 2012. PubMed ID: 22402074). However, this variant was also inherited from an unaffected parent of a proband with episodic gait disorder and was identified in controls for the Brugada syndrome study (Coutelier et al 2018. PubMed ID: 29482223; Di Resta C et al 2015. PubMed ID: 26220970; Giudicessi JR et al 2011. PubMed ID: 21349352). An in vitro study of this variant showed no change in cellular electrophysiology (Mann SA et al 2012. PubMed ID: 22402074). This variant is reported in 0.034% of alleles in individuals of European (Non-Finnish) descent in gnomAD, which may be too frequent to be a primary cause of autosomal dominant disease. Although we suspect that this variant may be benign, at this time, the clinical significance of this variant is uncertain due to the absence of conclusive functional and genetic evidence.

Clinical Genetics DNA and cytogenetics Diagnostics Lab, Erasmus MC, Erasmus Medical Center
Classification: Likely benign. Review status: no assertion criteria provided. Collection method: clinical testing. Allele origin: germline. Affected: yes. Study: VKGL Data-share Consensus. Not counted in ClinVar's aggregate classification.

Genome Diagnostics Laboratory, University Medical Center Utrecht
Classification: Likely benign. Review status: no assertion criteria provided. Collection method: clinical testing. Allele origin: germline. Affected: yes. Study: VKGL Data-share Consensus. Not counted in ClinVar's aggregate classification.

Literature cited by the submitters: PubMed 29482223 (cited by 3 submitters); PubMed 26220970 (cited by Athena Diagnostics and Ambry Genetics); PubMed 25410959 (cited by Athena Diagnostics and Ambry Genetics); PubMed 22402074 (cited by Athena Diagnostics and Ambry Genetics); PubMed 21349352 (cited by Athena Diagnostics and Ambry Genetics); PubMed 23838598 (cited by Ambry Genetics); PubMed 25175087 (cited by Ambry Genetics); PubMed 34361012 (cited by Ambry Genetics).